The following is an entry in ClinVar:

NC_000014.8:g.(?_76425530)_(76447236_?)del

Gene: TGFB3 (transforming growth factor beta 3; minus strand). Cytogenetic location: 14q24.3.
Variant type: Deletion.
Identifiers: ClinVar variation 3244030 (VCV003244030.1).

ClinVar aggregate classification (germline): Pathogenic (1 of 4 stars; one submission).

Conditions:
Rienhoff syndrome. Also called: LOEYS-DIETZ SYNDROME 5. Identifiers: MedGen C3810012, MONDO:0014262, OMIM 615582.

Submission:

Labcorp Genetics (formerly Invitae), Labcorp
Classification: Pathogenic for Rienhoff syndrome. Last evaluated: 2023-12-09. Review status: criteria provided, single submitter. Criteria: Invitae Variant Classification Sherloc (09022015). Collection method: clinical testing. Allele origin: unknown.
Comment: A gross deletion of the genomic region encompassing the full coding sequence of the TGFB3 gene has been identified. Loss-of-function variants in TGFB3 are known to be pathogenic (PMID: 25835445, 26188975). The boundaries of this event are unknown as they extend beyond the assayed region for this gene and therefore may encompass additional genes. This variant has not been reported in the literature in individuals affected with TGFB3-related conditions. For these reasons, this variant has been classified as Pathogenic.

Literature cited by the submitters: PubMed 25835445; PubMed 26188975.